The following is an entry in ClinVar:

NM_004415.4(DSP):c.4992G>C (p.Leu1664=)

Gene: DSP (desmoplakin; plus strand). Cytogenetic location: 6p24.3.
Variant type: single nucleotide variant.
Coding change: c.4992G>C on transcript NM_004415.4 (MANE Select); coding-DNA position 4992, G replaced by C.
Protein change: p.Leu1664=; no amino-acid change (leucine 1664 retained).
Molecular consequence: synonymous variant. On other transcripts: intron variant (2).
Genome position (GRCh38, 1-based): chr6:7,581,182, G>C. VCF-style: chr6-7581182-G-C. GRCh37 (hg19) VCF-style: chr6-7581415-G-C.
Other names: c.4050+942G>C (NM_001319034.2); c.3582+1410G>C (NM_001008844.3); c.4992G>C (NM_004415.2).
Identifiers: ClinVar variation 1165112 (VCV001165112.13), dbSNP rs772302453, ClinGen allele CA043546.
Genomic context (GRCh38, chr6:7,581,182, plus strand): 5'-GAGGGAAAAGCAGAGGACCCAGGAAGAGCTGAGGAGGCTCTCTTCTGAGGTCGAGGCCCT[G>C]AGGCGGCAGTTACTCCAGGAACAGGAAAGTGTCAAACAAGCTCACTTGAGGAATGAGCAT-3'
Protein context (NP_004406.2, residues 1654-1674): LRRLSSEVEA[Leu1664=]RRQLLQEQES

ClinVar aggregate classification (germline): Benign/Likely benign. Review status: criteria provided, multiple submitters, no conflicts (2 of 4 stars). 5 submissions from 5 submitters: Benign (1); Likely benign (4). Last evaluated 2025-12-08.

Conditions:
Arrhythmogenic cardiomyopathy with wooly hair and keratoderma. Also called: PALMOPLANTAR KERATODERMA WITH LEFT VENTRICULAR CARDIOMYOPATHY AND WOOLLY HAIR; Arrhythmogenic cardiomyopathy with woolly hair and keratoderma; Carvajal syndrome; Dilated cardiomyopathy with woolly hair and keratoderma. Identifiers: Orphanet 65282, MedGen C1854063, MONDO:0011581, OMIM 605676.
Arrhythmogenic right ventricular dysplasia 8 (ARVD8). Also called: Arrhythmogenic Right Ventricular Dysplasia/Cardiomyopathy 8; ARRHYTHMOGENIC RIGHT VENTRICULAR DYSPLASIA, FAMILIAL, 8; ARRHYTHMOGENIC RIGHT VENTRICULAR CARDIOMYOPATHY 8. Identifiers: MedGen C1843896, MONDO:0011831, OMIM 607450.
Cardiovascular phenotype. Identifiers: MedGen CN230736.
Cardiomyopathy (CMYO). Also called: Cardiomyopathies. Identifiers: Orphanet 167848, MedGen C0878544, MONDO:0004994, HP:0001638. Inheritance: Various modes of inheritance.

Allele frequency attached by ClinVar (database versions not stated): gnomAD 0.00003; gnomAD exomes 0.00005 and 0.00010; ExAC 0.00014.
gnomAD v4.1: 79 of 1,614,222 alleles (0.0049%); highest among the groups gnomAD compares: South Asian, 0.085%; 1 homozygote.

Submissions (5):

Labcorp Genetics (formerly Invitae), Labcorp
Classification: Benign for Arrhythmogenic cardiomyopathy with wooly hair and keratoderma; Arrhythmogenic right ventricular dysplasia 8. Last evaluated: 2025-12-08. Review status: criteria provided, single submitter. Criteria: Invitae Variant Classification Sherloc (09022015). Collection method: clinical testing. Allele origin: germline.

Ambry Genetics
Classification: Likely benign for Cardiovascular phenotype. Last evaluated: 2025-01-16. Review status: criteria provided, single submitter. Criteria: Ambry Variant Classification Scheme 2023. Collection method: clinical testing. Allele origin: germline.

Blueprint Genetics
Classification: Likely benign. Last evaluated: 2024-05-23. Review status: criteria provided, single submitter. Criteria: ACMG Guidelines, 2015. Collection method: clinical testing. Allele origin: germline.

All of Us Research Program, National Institutes of Health
Classification: Likely benign for Arrhythmogenic cardiomyopathy with wooly hair and keratoderma. Last evaluated: 2024-04-16. Review status: criteria provided, single submitter. Criteria: ACMG Guidelines, 2015. Collection method: clinical testing. Allele origin: germline. Inheritance: Autosomal dominant inheritance. Observed: 1 variant allele, 1 heterozygote.
Comment: This study involves interpretation of variants in research participants for the purpose of population health screening. Participant phenotype was not available at the time of variant classification. Additional details can be found in publication PMID: 35346344, PMCID: PMC8962531

Color Diagnostics, LLC DBA Color Health
Classification: Likely benign for Cardiomyopathy. Last evaluated: 2024-02-04. Review status: criteria provided, single submitter. Criteria: ACMG Guidelines, 2015. Collection method: clinical testing. Allele origin: germline.